The following is an entry in ClinVar:

NM_002691.4(POLD1):c.1384-5C>G

Gene: POLD1 (DNA polymerase delta 1, catalytic subunit; plus strand). Cytogenetic location: 19q13.33.
Variant type: single nucleotide variant.
Coding change: c.1384-5C>G on transcript NM_002691.4 (MANE Select); 5 bases into the intron before coding-DNA position 1384, C replaced by G.
Molecular consequence: intron variant.
Genome position (GRCh38, 1-based): chr19:50,406,402, C>G. VCF-style: chr19-50406402-C-G. GRCh37 (hg19) VCF-style: chr19-50909659-C-G.
Other names: c.1384-5C>G (NM_001256849.1, NM_001308632.1).
Identifiers: ClinVar variation 819052 (VCV000819052.5), dbSNP rs1601216539, ClinGen allele CA915951936.

ClinVar aggregate classification (germline): Uncertain significance (1 of 4 stars; one submission).

Conditions:
Hereditary cancer-predisposing syndrome. Also called: Tumor predisposition; Neoplastic Syndromes, Hereditary; Hereditary Cancer Syndrome; Hereditary neoplastic syndrome. Identifiers: Orphanet 140162, MedGen C0027672, MeSH D009386, MONDO:0015356.

Submission:

Ambry Genetics
Classification: Uncertain significance for Hereditary cancer-predisposing syndrome. Last evaluated: 2026-02-13. Review status: criteria provided, single submitter. Criteria: Ambry Variant Classification Scheme 2023. Collection method: clinical testing. Allele origin: germline.
Comment: The c.1384-5C>G intronic variant results from a C to G substitution 5 nucleotides upstream from coding exon 11 in the POLD1 gene. This nucleotide position is not well conserved in available vertebrate species. In silico splice site analysis predicts that this alteration will result in the creation or strengthening of a novel splice acceptor site. Based on the available evidence, the clinical significance of this variant remains unclear.